The following is an entry in ClinVar:

NM_001006658.3(CR2):c.1005G>A (p.Trp335Ter)

Genes: CR2 (complement C3d receptor 2; plus strand), LOC126805994 (BRD4-independent group 4 enhancer GRCh37_chr1:207642622-207643821; plus strand). Cytogenetic location: 1q32.2.
Variant type: single nucleotide variant.
Coding change: c.1005G>A on transcript NM_001006658.3 (MANE Select); coding-DNA position 1005, G replaced by A.
Protein change: p.Trp335Ter; replaces tryptophan 335 with a stop codon.
Molecular consequence: nonsense.
Genome position (GRCh38, 1-based): chr1:207,469,882, G>A. VCF-style: chr1-207469882-G-A. GRCh37 (hg19) VCF-style: chr1-207643227-G-A.
Other names: c.1005G>A, p.Trp335Ter (NM_001877.5); short protein forms W335*.
Identifiers: ClinVar variation 4850287 (VCV004850287.1).

ClinVar aggregate classification (germline): Likely pathogenic (1 of 4 stars; one submission).

Conditions:
Immunodeficiency, common variable, 7. Identifiers: Orphanet 1572, Orphanet 696894, MedGen C3542922, MONDO:0013862, OMIM 614699.

Submission:

First Genomix Gene Laboratory, Genetic Diagnostics Department
Classification: Likely pathogenic for Immunodeficiency, common variable, 7. Last evaluated: 2025-09-02. Review status: criteria provided, single submitter. Criteria: ACMG Guidelines, 2015. Collection method: clinical testing. Allele origin: germline. Inheritance: Autosomal recessive inheritance. Affected: no. Observed: 1 variant allele.